The following is an entry in ClinVar:

NM_001367916.1(MAGT1):c.-14G>A

Genes: MAGT1 (magnesium transporter 1; minus strand), LOC130068460 (ATAC-STARR-seq lymphoblastoid active region 29781; plus strand). Cytogenetic location: Xq21.1.
Variant type: single nucleotide variant.
Coding change: c.-14G>A on transcript NM_001367916.1 (MANE Select); 14 bases upstream of the start codon, G replaced by A.
Molecular consequence: 5 prime UTR variant. On other transcripts: missense variant (1).
Genome position (GRCh38, 1-based): chrX:77,895,424, C>T on the plus strand (G>A on the coding strand, the complement: MAGT1 is on the minus strand). VCF-style: chrX-77895424-C-T. GRCh37 (hg19) VCF-style: chrX-77150921-C-T.
Other names: c.83G>A, p.Gly28Glu (NM_032121.5); short protein forms G28E.
Identifiers: ClinVar variation 1165592 (VCV001165592.38), dbSNP rs374235131, ClinGen allele CA10458621.

ClinVar aggregate classification (germline): Conflicting classifications of pathogenicity. Review status: criteria provided, conflicting classifications (1 of 4 stars). 5 submissions from 5 submitters: Uncertain significance (1); Benign (1); Likely benign (3). Last evaluated 2025-12-02.

Conditions:
Inborn genetic diseases. Identifiers: MedGen C0950123, MeSH D030342.
X-linked immunodeficiency with magnesium defect, Epstein-Barr virus infection and neoplasia. Identifiers: Orphanet 317476, MedGen C3275445, MONDO:0010455, OMIM 300853.

Allele frequency attached by ClinVar (database versions not stated): gnomAD 0.00009 and 0.00014; TOPMed 0.00013; gnomAD exomes 0.00005; ExAC 0.00009; ESP Exome Variant Server 0.00009.
gnomAD v4.1: 63 of 1,208,493 alleles (0.0052%); highest among the groups gnomAD compares: Middle Eastern, 0.21%; no homozygotes.

Submissions (5):

Labcorp Genetics (formerly Invitae), Labcorp
Classification: Benign for X-linked immunodeficiency with magnesium defect, Epstein-Barr virus infection and neoplasia. Last evaluated: 2025-12-02. Review status: criteria provided, single submitter. Criteria: Invitae Variant Classification Sherloc (09022015). Collection method: clinical testing. Allele origin: germline.

CeGaT Center for Human Genetics Tuebingen
Classification: Likely benign. Last evaluated: 2024-01-01. Review status: criteria provided, single submitter. Criteria: CeGaT Center For Human Genetics Tuebingen Variant Classification Criteria Version 2. Collection method: clinical testing. Allele origin: germline. Affected: yes. Observed: 2 variant alleles.
Comment: MAGT1: BP4, BS2

Blueprint Genetics
Classification: Likely benign. Last evaluated: 2023-10-15. Review status: criteria provided, single submitter. Criteria: ACMG Guidelines, 2015. Collection method: clinical testing. Allele origin: germline.

Ambry Genetics
Classification: Uncertain significance for Inborn genetic diseases. Last evaluated: 2022-12-19. Review status: criteria provided, single submitter. Criteria: Ambry Variant Classification Scheme 2023. Collection method: clinical testing. Allele origin: germline.

Genetic Services Laboratory, University of Chicago
Classification: Likely benign. Last evaluated: 2021-11-23. Review status: criteria provided, single submitter. Criteria: ACMG Guidelines, 2015. Collection method: clinical testing. Allele origin: germline. Affected: no.